The following is an entry in ClinVar:

ClinVar aggregate classification (germline): Uncertain significance (1 of 4 stars; one submission).

Conditions:
Dyskeratosis congenita, autosomal dominant 1 (DKCA1). Also called: Dyskeratosis congenita Scoggins type. Identifiers: Orphanet 1775, MedGen C4551974, MONDO:0007485, OMIM 127550. Inheritance: Variable.

Submission:

Labcorp Genetics (formerly Invitae), Labcorp
Classification: Uncertain significance for Dyskeratosis congenita, autosomal dominant 1. Last evaluated: 2022-11-10. Review status: criteria provided, single submitter. Criteria: Invitae Variant Classification Sherloc (09022015). Collection method: clinical testing. Allele origin: germline.
Comment: This variant is located within the template/pseudoknot domain of the TERC RNA component, which is required for RNA or RNP stability (PMID: 15082312, 21844345). This variant has not been reported in the literature in individuals affected with TERC-related conditions. In summary, the available evidence is currently insufficient to determine the role of this variant in disease. Therefore, it has been classified as a Variant of Uncertain Significance. This variant is located in a region of TERC in which a significant number of disease causing variants have been reported (PMID: 15082312, 21844345, 21931702). These observations suggest that this may be a clinically significant region. This variant is not present in population databases (gnomAD no frequency). This variant occurs in the TERC gene, which encodes an RNA molecule that does not result in a protein product.

Literature cited by the submitters: PubMed 15082312; PubMed 21844345; PubMed 21931702.

NC_000003.12:g.169764977C>T

Genes: TERC (telomerase RNA component; minus strand), LOC110806306 (telomerase RNA component (TERC) promoter; plus strand). Cytogenetic location: 3q26.2.
Variant type: single nucleotide variant.
Genome position: GRCh38 VCF-style: chr3-169764977-C-T. GRCh37 (hg19) VCF-style: chr3-169482765-C-T.
Identifiers: ClinVar variation 2813316 (VCV002813316.3), dbSNP rs2474262494, ClinGen allele CA436715856.
Genomic context (GRCh38, chr3:169,764,977, plus strand): 5'-GCGGCAGGCCGAGGCTTTTCCGCCCGCTGAAAGTCAGCGAGAAAAACAGCGCGCGGGGAG[C>T]AAAAGCACGGCGCCTACGCCCTTCTCAGTTAGGGTTAGACAAAAAATGGCCACCACCCCT-3'